The following is an entry in ClinVar:

ClinVar aggregate classification (germline): Uncertain significance. Review status: criteria provided, multiple submitters, no conflicts (2 of 4 stars). 2 submissions from 2 submitters: Uncertain significance (2). Last evaluated 2025-05-19.

Conditions:
Hereditary cancer-predisposing syndrome. Also called: Tumor predisposition; Neoplastic Syndromes, Hereditary; Hereditary Cancer Syndrome; Hereditary neoplastic syndrome. Identifiers: Orphanet 140162, MedGen C0027672, MeSH D009386, MONDO:0015356.
Bloom syndrome (BLM). Also called: Bloom-Torre-Machacek syndrome. Identifiers: Orphanet 125, MedGen C0005859, MONDO:0008876, OMIM 210900.

Submissions (2):

Ambry Genetics
Classification: Uncertain significance for Hereditary cancer-predisposing syndrome. Last evaluated: 2025-05-19. Review status: criteria provided, single submitter. Criteria: Ambry Variant Classification Scheme 2023. Collection method: clinical testing. Allele origin: germline.
Comment: The p.T766N variant (also known as c.2297C>A), located in coding exon 9 of the BLM gene, results from a C to A substitution at nucleotide position 2297. The threonine at codon 766 is replaced by asparagine, an amino acid with similar properties. This amino acid position is conserved. In addition, the in silico prediction for this alteration is inconclusive. Based on the available evidence, the clinical significance of this variant remains unclear.

Labcorp Genetics (formerly Invitae), Labcorp
Classification: Uncertain significance for Bloom syndrome. Last evaluated: 2024-05-04. Review status: criteria provided, single submitter. Criteria: Invitae Variant Classification Sherloc (09022015). Collection method: clinical testing. Allele origin: germline.
Comment: This sequence change replaces threonine, which is neutral and polar, with asparagine, which is neutral and polar, at codon 766 of the BLM protein (p.Thr766Asn). This variant is not present in population databases (gnomAD no frequency). This variant has not been reported in the literature in individuals affected with BLM-related conditions. Advanced modeling of protein sequence and biophysical properties (such as structural, functional, and spatial information, amino acid conservation, physicochemical variation, residue mobility, and thermodynamic stability) performed at Invitae indicates that this missense variant is expected to disrupt BLM protein function with a positive predictive value of 80%. In summary, the available evidence is currently insufficient to determine the role of this variant in disease. Therefore, it has been classified as a Variant of Uncertain Significance.

NM_000057.4(BLM):c.2297C>A (p.Thr766Asn)

Gene: BLM (BLM RecQ like helicase; plus strand). Cytogenetic location: 15q26.1.
Variant type: single nucleotide variant.
Coding change: c.2297C>A on transcript NM_000057.4 (MANE Select); coding-DNA position 2297, C replaced by A.
Protein change: p.Thr766Asn; replaces threonine 766 with asparagine.
Molecular consequence: missense variant.
Genome position (GRCh38, 1-based): chr15:90,767,013, C>A. VCF-style: chr15-90767013-C-A. GRCh37 (hg19) VCF-style: chr15-91310243-C-A.
Other names: c.2297C>A, p.Thr766Asn (NM_001287246.2, NM_001287247.2); c.1172C>A, p.Thr391Asn (NM_001287248.2); short protein forms T766N, T391N.
Identifiers: ClinVar variation 3690817 (VCV003690817.3).
Genomic context (GRCh38, chr15:90,767,013, plus strand): 5'-CTACAAATATTTACCTCCAGTTATCAAAAAAAGACCCAATCATAAAACTTCTATATGTCA[C>A]TCCAGAAAAGGTTTGTATTTATATCATTATTTTAAAATATATTAAAGACCACTAGAATAC-3'
Protein context (NP_000048.1, residues 756-776): KDPIIKLLYV[Thr766Asn]PEKICASNRL